The following is an entry in ClinVar:

NM_000040.3(APOC3):c.127G>A (p.Ala43Thr)

Gene: APOC3 (apolipoprotein C3; plus strand). Cytogenetic location: 11q23.3.
Variant type: single nucleotide variant.
Coding change: c.127G>A on transcript NM_000040.3 (MANE Select); coding-DNA position 127, G replaced by A.
Protein change: p.Ala43Thr; replaces alanine 43 with threonine.
Molecular consequence: missense variant.
Genome position (GRCh38, 1-based): chr11:116,830,844, G>A. VCF-style: chr11-116830844-G-A. GRCh37 (hg19) VCF-style: chr11-116701560-G-A.
Other names: APOC3, ALA43THR (rs147210663); short protein forms A43T.
Identifiers: ClinVar variation 139561 (VCV000139561.15), dbSNP rs147210663, ClinGen allele CA163266.
Genomic context (GRCh38, chr11:116,830,844, plus strand): 5'-GCCGAGGATGCCTCCCTTCTCAGCTTCATGCAGGGTTACATGAAGCACGCCACCAAGACC[G>A]CCAAGGATGCACTGAGCAGCGTGCAGGAGTCCCAGGTGGCCCAGCAGGCCAGGTACACCC-3'
Protein context (NP_000031.1, residues 33-53): QGYMKHATKT[Ala43Thr]KDALSSVQES

ClinVar aggregate classification (germline): Conflicting classifications of pathogenicity. Review status: criteria provided, conflicting classifications (1 of 4 stars). 7 submissions from 7 submitters: Uncertain significance (1); Benign (2); Likely benign (2). 2 of the submissions do not count toward it. Last evaluated 2025-06-02.

Conditions:
Cardiovascular phenotype. Identifiers: MedGen CN230736.
Coronary heart disease. Identifiers: MedGen C0010068.
Apolipoprotein c-III deficiency. Identifiers: MedGen C3151467, MONDO:0013534, OMIM 614028.

Allele frequency attached by ClinVar (database versions not stated): gnomAD 0.00103 and 0.00098; TOPMed 0.00120; 1000 Genomes Project 0.00280; ESP Exome Variant Server 0.00115; 1000 Genomes Project 30x 0.00328.

Submissions (7):

Labcorp Genetics (formerly Invitae), Labcorp
Classification: Benign. Last evaluated: 2025-06-02. Review status: criteria provided, single submitter. Criteria: Invitae Variant Classification Sherloc (09022015). Collection method: clinical testing. Allele origin: germline.

Blueprint Genetics
Classification: Likely benign. Last evaluated: 2024-07-26. Review status: criteria provided, single submitter. Criteria: ACMG Guidelines, 2015. Collection method: clinical testing. Allele origin: germline.

Women's Health and Genetics/Laboratory Corporation of America, LabCorp
Classification: Likely benign. Last evaluated: 2023-08-01. Review status: criteria provided, single submitter. Criteria: LabCorp Variant Classification Summary - May 2015. Collection method: clinical testing. Allele origin: germline.

GeneDx
Classification: Uncertain significance. Last evaluated: 2019-12-04. Review status: criteria provided, single submitter. Criteria: GeneDx Variant Classification Process June 2021. Collection method: clinical testing. Allele origin: germline. Affected: yes.
Comment: Reported in association with low plasma triglyceride levels (Liu et al., 2000; Crosby et al., 2014; Jorgensen et al., 2014; Bochem et al., 2014); In silico analysis, which includes protein predictors and evolutionary conservation, supports a deleterious effect; Published functional studies demonstrate a damaging effect on protein function (Sundaram et al., 2010); This variant is associated with the following publications: (PMID: 11060345, 20097930, 28825717, 24941082, 29237685, 32041611, 24941081, 31589614, 23701270)

Ambry Genetics
Classification: Benign for Cardiovascular phenotype. Last evaluated: 2019-08-28. Review status: criteria provided, single submitter. Criteria: Ambry Variant Classification Scheme 2023. Collection method: clinical testing. Allele origin: germline.

OMIM
Classification: Pathogenic for APOLIPOPROTEIN C-III DEFICIENCY. Last evaluated: 2014-07-03. Review status: no assertion criteria provided. Collection method: literature only. Allele origin: germline. Not counted in ClinVar's aggregate classification.

ClinVar Staff, National Center for Biotechnology Information (NCBI)
Classification: protective for Coronary heart disease. Last evaluated: 2014-06-18. Review status: no assertion criteria provided. Collection method: literature only. Allele origin: germline. Affected: yes. Not counted in ClinVar's aggregate classification.

Literature cited by the submitters: PubMed 11060345 (cited by Ambry Genetics); PubMed 20097930 (cited by Ambry Genetics); PubMed 23701270 (cited by Ambry Genetics); PubMed 24941081 (cited by 3 submitters); PubMed 24941082 (cited by Ambry Genetics and OMIM); PubMed 28825717 (cited by Ambry Genetics); PubMed 29237685 (cited by Ambry Genetics).